The following is an entry in ClinVar:

NM_005236.3(ERCC4):c.2725G>A (p.Val909Ile)

Gene: ERCC4 (ERCC excision repair 4, endonuclease catalytic subunit; plus strand). Cytogenetic location: 16p13.12.
Variant type: single nucleotide variant.
Coding change: c.2725G>A on transcript NM_005236.3 (MANE Select); coding-DNA position 2725, G replaced by A.
Protein change: p.Val909Ile; replaces valine 909 with isoleucine.
Molecular consequence: missense variant.
Genome position (GRCh38, 1-based): chr16:13,948,321, G>A. VCF-style: chr16-13948321-G-A. GRCh37 (hg19) VCF-style: chr16-14042178-G-A.
Other names: short protein forms V909I.
Identifiers: ClinVar variation 642503 (VCV000642503.54), dbSNP rs140726146, ClinGen allele CA7910803.

ClinVar aggregate classification (germline): Uncertain significance. Review status: criteria provided, multiple submitters, no conflicts (2 of 4 stars). 5 submissions from 5 submitters: Uncertain significance (5). Last evaluated 2025-09-25.

Conditions:
Cockayne syndrome. Identifiers: Orphanet 191, MedGen C0009207, MONDO:0016006.
Fanconi anemia complementation group Q. Identifiers: Orphanet 84, MedGen C3808988, MONDO:0014108, OMIM 615272.
Xeroderma pigmentosum, group F (XPF). Also called: XERODERMA PIGMENTOSUM, COMPLEMENTATION GROUP F; XERODERMA PIGMENTOSUM VI; XP, GROUP F; ERCC4-Related Xeroderma Pigmentosum; XERODERMA PIGMENTOSUM, TYPE F; Xeroderma pigmentosum, type 6. Identifiers: MedGen C0268140, MONDO:0010215, OMIM 278760.
Inborn genetic diseases. Identifiers: MedGen C0950123, MeSH D030342.
ERCC4-related disorder. Also called: ERCC4-related condition.

Allele frequency attached by ClinVar (database versions not stated): gnomAD 0.00006; TOPMed 0.00006; ESP Exome Variant Server 0.00008; 1000 Genomes Project 30x 0.00031; 1000 Genomes Project 0.00040.
gnomAD v4.1: 39 of 1,612,452 alleles (0.0024%); highest among the groups gnomAD compares: East Asian, 0.0089%; no homozygotes.

Submissions (5):

PreventionGenetics, part of Exact Sciences
Classification: Uncertain significance for ERCC4-related condition. Last evaluated: 2025-09-25. Review status: criteria provided, single submitter. Criteria: ACMG Guidelines, 2015. Collection method: clinical testing. Allele origin: germline.
Comment: The ERCC4 c.2725G>A variant is predicted to result in the amino acid substitution p.Val909Ile. To our knowledge, this variant has not been reported in the literature. This variant is reported in 0.0062% of alleles in individuals of European (Non-Finnish) descent in gnomAD. At this time, the clinical significance of this variant is uncertain due to the absence of conclusive functional and genetic evidence.

Labcorp Genetics (formerly Invitae), Labcorp
Classification: Uncertain significance for Fanconi anemia complementation group Q; Xeroderma pigmentosum, group F; Cockayne syndrome. Last evaluated: 2024-09-03. Review status: criteria provided, single submitter. Criteria: Invitae Variant Classification Sherloc (09022015). Collection method: clinical testing. Allele origin: germline.
Comment: This sequence change replaces valine, which is neutral and non-polar, with isoleucine, which is neutral and non-polar, at codon 909 of the ERCC4 protein (p.Val909Ile). This variant is present in population databases (rs140726146, gnomAD 0.006%). This variant has not been reported in the literature in individuals affected with ERCC4-related conditions. ClinVar contains an entry for this variant (Variation ID: 642503). An algorithm developed to predict the effect of missense changes on protein structure and function outputs the following: PolyPhen-2: "Benign". The isoleucine amino acid residue is found in multiple mammalian species, which suggests that this missense change does not adversely affect protein function. In summary, the available evidence is currently insufficient to determine the role of this variant in disease. Therefore, it has been classified as a Variant of Uncertain Significance.

Ambry Genetics
Classification: Uncertain significance for Inborn genetic diseases. Last evaluated: 2022-12-19. Review status: criteria provided, single submitter. Criteria: Ambry Variant Classification Scheme 2023. Collection method: clinical testing. Allele origin: germline.

Knight Diagnostic Laboratories, Oregon Health and Sciences University
Classification: Uncertain significance for Xeroderma pigmentosum, complementation group f. Last evaluated: 2019-06-19. Review status: criteria provided, single submitter. Criteria: ACMG Guidelines, 2015. Collection method: clinical testing. Allele origin: germline. Observed: 1 variant allele.

CeGaT Center for Human Genetics Tuebingen
Classification: Uncertain significance. Last evaluated: 2019-04-01. Review status: criteria provided, single submitter. Criteria: CeGaT Center For Human Genetics Tuebingen Variant Classification Criteria Version 2. Collection method: clinical testing. Allele origin: germline. Affected: yes. Observed: 1 variant allele.